The following is an entry in ClinVar:

ClinVar aggregate classification (germline): Uncertain significance (1 of 4 stars; one submission).

Conditions:
Hereditary breast ovarian cancer syndrome. Also called: Hereditary breast and ovarian cancer; BRCA1- and BRCA2-Associated Hereditary Breast and Ovarian Cancer; Hereditary breast and/or ovarian cancer syndrome; Hereditary breast and ovarian cancer syndrome; Hereditary breast and ovarian cancer syndrome (HBOC); Breast and ovarian cancer. Identifiers: Orphanet 145, MedGen C0677776, MeSH D061325, MONDO:0003582. Disease mechanism: loss of function.

Submission:

Labcorp Genetics (formerly Invitae), Labcorp
Classification: Uncertain significance for Hereditary breast ovarian cancer syndrome. Last evaluated: 2019-09-17. Review status: criteria provided, single submitter. Criteria: Invitae Variant Classification Sherloc (09022015). Collection method: clinical testing. Allele origin: germline.
Comment: In summary, the available evidence is currently insufficient to determine the role of this variant in disease. Therefore, it has been classified as a Variant of Uncertain Significance. Algorithms developed to predict the effect of missense changes on protein structure and function (SIFT, PolyPhen-2, Align-GVGD) all suggest that this variant is likely to be tolerated, but these predictions have not been confirmed by published functional studies and their clinical significance is uncertain. This variant has not been reported in the literature in individuals with BRCA2-related conditions. This variant is not present in population databases (ExAC no frequency). This sequence change replaces aspartic acid with glutamic acid at codon 2444 of the BRCA2 protein (p.Asp2444Glu). The aspartic acid residue is weakly conserved and there is a small physicochemical difference between aspartic acid and glutamic acid.

NM_000059.4(BRCA2):c.7332T>G (p.Asp2444Glu)

Gene: BRCA2 (BRCA2 DNA repair associated; plus strand). Cytogenetic location: 13q13.1.
Variant type: single nucleotide variant.
Coding change: c.7332T>G on transcript NM_000059.4 (MANE Select); coding-DNA position 7332, T replaced by G.
Protein change: p.Asp2444Glu; replaces aspartic acid 2444 with glutamic acid.
Molecular consequence: missense variant.
Genome position (GRCh38, 1-based): chr13:32,355,185, T>G. VCF-style: chr13-32355185-T-G. GRCh37 (hg19) VCF-style: chr13-32929322-T-G.
Other names: short protein forms D2444E.
Identifiers: ClinVar variation 958015 (VCV000958015.10), dbSNP rs1593918402, ClinGen allele CA387741183.